The following is an entry in ClinVar:

NM_002948.5(RPL15):c.323G>A (p.Arg108His)

Genes: NKIRAS1 (NFKB inhibitor interacting Ras like 1; minus strand), RPL15 (ribosomal protein L15; plus strand). Cytogenetic location: 3p24.2.
Variant type: single nucleotide variant.
Coding change: c.323G>A on transcript NM_002948.5 (MANE Select); coding-DNA position 323, G replaced by A.
Protein change: p.Arg108His; replaces arginine 108 with histidine.
Molecular consequence: missense variant. On other transcripts: intron variant (1).
Genome position (GRCh38, 1-based): chr3:23,919,209, G>A. VCF-style: chr3-23919209-G-A. GRCh37 (hg19) VCF-style: chr3-23960700-G-A.
Other names: c.323G>A, p.Arg108His (NM_001253379.2, NM_001253380.2, NM_001253382.2 and 2 more transcripts); c.-139-7759C>T (NM_001377380.1); short protein forms R108H.
Identifiers: ClinVar variation 1415523 (VCV001415523.10), dbSNP rs749541129, ClinGen allele CA2286508.

ClinVar aggregate classification (germline): Uncertain significance. Review status: criteria provided, multiple submitters, no conflicts (2 of 4 stars). 3 submissions from 3 submitters: Uncertain significance (3). Last evaluated 2025-08-09.

Conditions:
RPL15-related disorder. Also called: RPL15-related condition.

Allele frequency attached by ClinVar (database versions not stated): gnomAD 0.00001; gnomAD exomes 0.00004 and 0.00002; ExAC 0.00005; TOPMed 0.00001.
gnomAD v4.1: 26 of 1,613,486 alleles (0.0016%); highest among the groups gnomAD compares: Non-Finnish European, 0.002%; no homozygotes.

Submissions (3):

Ambry Genetics
Classification: Uncertain significance. Last evaluated: 2025-08-09. Review status: criteria provided, single submitter. Criteria: Ambry Variant Classification Scheme 2023. Collection method: clinical testing. Allele origin: germline.

Labcorp Genetics (formerly Invitae), Labcorp
Classification: Uncertain significance. Last evaluated: 2024-04-09. Review status: criteria provided, single submitter. Criteria: Invitae Variant Classification Sherloc (09022015). Collection method: clinical testing. Allele origin: germline.
Comment: This sequence change replaces arginine, which is basic and polar, with histidine, which is basic and polar, at codon 108 of the RPL15 protein (p.Arg108His). This variant is present in population databases (rs749541129, gnomAD 0.008%). This variant has not been reported in the literature in individuals affected with RPL15-related conditions. ClinVar contains an entry for this variant (Variation ID: 1415523). An algorithm developed to predict the effect of missense changes on protein structure and function (PolyPhen-2) suggests that this variant is likely to be tolerated. In summary, the available evidence is currently insufficient to determine the role of this variant in disease. Therefore, it has been classified as a Variant of Uncertain Significance.

PreventionGenetics, part of Exact Sciences
Classification: Uncertain significance for RPL15-related condition. Last evaluated: 2023-06-04. Review status: criteria provided, single submitter. Criteria: ACMG Guidelines, 2015. Collection method: clinical testing. Allele origin: germline.
Comment: The RPL15 c.323G>A variant is predicted to result in the amino acid substitution p.Arg108His. To our knowledge, this variant has not been reported in the literature. This variant is reported in 0.0079% of alleles in individuals of European (Non-Finnish) descent in gnomAD. At this time, the clinical significance of this variant is uncertain due to the absence of conclusive functional and genetic evidence.